The following is an entry in ClinVar:

ClinVar aggregate classification (germline): Uncertain significance. Review status: criteria provided, multiple submitters, no conflicts (2 of 4 stars). 2 submissions from 2 submitters: Uncertain significance (2). Last evaluated 2025-12-22.

Conditions:
Generalized epilepsy-paroxysmal dyskinesia syndrome (PNKD3). Also called: Generalized epilepsy and paroxysmal dyskinesia; Paroxysmal nonkinesigenic dyskinesia, 3, with or without generalized epilepsy. Identifiers: Orphanet 79137, MedGen C5574945, MONDO:0012276, OMIM 609446.

Allele frequency attached by ClinVar (database versions not stated): gnomAD exomes below 0.00001; TOPMed 0.00001.

Submissions (2):

Labcorp Genetics (formerly Invitae), Labcorp
Classification: Uncertain significance for Generalized epilepsy-paroxysmal dyskinesia syndrome. Last evaluated: 2025-12-22. Review status: criteria provided, single submitter. Criteria: Invitae Variant Classification Sherloc (09022015). Collection method: clinical testing. Allele origin: germline.
Comment: This sequence change replaces arginine, which is basic and polar, with histidine, which is basic and polar, at codon 394 of the KCNMA1 protein (p.Arg394His). This variant is not present in population databases (gnomAD no frequency). This variant has not been reported in the literature in individuals affected with KCNMA1-related conditions. ClinVar contains an entry for this variant (Variation ID: 532942). Invitae Evidence Modeling of protein sequence and biophysical properties (such as structural, functional, and spatial information, amino acid conservation, physicochemical variation, residue mobility, and thermodynamic stability) indicates that this missense variant is not expected to disrupt KCNMA1 protein function with a negative predictive value of 80%. In summary, the available evidence is currently insufficient to determine the role of this variant in disease. Therefore, it has been classified as a Variant of Uncertain Significance.

GeneDx
Classification: Uncertain significance. Last evaluated: 2022-03-16. Review status: criteria provided, single submitter. Criteria: GeneDx Variant Classification Process June 2021. Collection method: clinical testing. Allele origin: germline. Affected: yes.
Comment: Not observed at significant frequency in large population cohorts (gnomAD); In silico analysis supports that this missense variant has a deleterious effect on protein structure/function; Has not been previously published as pathogenic or benign to our knowledge

NM_001161352.2(KCNMA1):c.1181G>A (p.Arg394His)

Gene: KCNMA1 (potassium calcium-activated channel subfamily M alpha 1; minus strand). Cytogenetic location: 10q22.3.
Variant type: single nucleotide variant.
Coding change: c.1181G>A on transcript NM_001161352.2 (MANE Select); coding-DNA position 1181, G replaced by A.
Protein change: p.Arg394His; replaces arginine 394 with histidine.
Molecular consequence: missense variant.
Genome position (GRCh38, 1-based): chr10:77,108,523, C>T on the plus strand (G>A on the coding strand, the complement: KCNMA1 is on the minus strand). VCF-style: chr10-77108523-C-T. GRCh37 (hg19) VCF-style: chr10-78868281-C-T.
Other names: c.1181G>A, p.Arg394His (NM_001014797.3, NM_001161353.2, NM_001271519.2 and 7 more transcripts); c.1019G>A, p.Arg340His (NM_001271518.2); c.641G>A, p.Arg214His (NM_001322838.2); short protein forms R394H, R214H, R340H.
Identifiers: ClinVar variation 532942 (VCV000532942.12), dbSNP rs1397483743, ClinGen allele CA377408681.